The following is an entry in ClinVar:

ClinVar aggregate classification (germline): Benign (1 of 4 stars; one submission).

Allele frequency attached by ClinVar (database versions not stated): 1000 Genomes Project 30x 0.06496; TOPMed 0.06504; 1000 Genomes Project 0.06769; gnomAD 0.06847 and 0.07134.
gnomAD v4.1: 10,894 of 152,246 alleles (7.2%); highest among the groups gnomAD compares: South Asian, 15%; 521 homozygotes.

Submission:

GeneDx
Classification: Benign. Last evaluated: 2018-06-14. Review status: criteria provided, single submitter. Criteria: GeneDx Variant Classification (06012015). Collection method: clinical testing. Allele origin: germline. Affected: yes.
Comment: This variant is considered likely benign or benign based on one or more of the following criteria: it is a conservative change, it occurs at a poorly conserved position in the protein, it is predicted to be benign by multiple in silico algorithms, and/or has population frequency not consistent with disease.

NM_018060.4(IARS2):c.1640+284G>A

Genes: IARS2 (isoleucyl-tRNA synthetase 2, mitochondrial; plus strand), LOC132088658 (Neanderthal introgressed variant-containing enhancer experimental_4917; plus strand). Cytogenetic location: 1q41.
Variant type: single nucleotide variant.
Coding change: c.1640+284G>A on transcript NM_018060.4 (MANE Select); 284 bases into the intron after coding-DNA position 1640, G replaced by A.
Molecular consequence: intron variant.
Genome position (GRCh38, 1-based): chr1:220,114,758, G>A. VCF-style: chr1-220114758-G-A. GRCh37 (hg19) VCF-style: chr1-220288100-G-A.
Identifiers: ClinVar variation 680673 (VCV000680673.1), dbSNP rs79926357, ClinGen allele CA15086945.